The following is an entry in ClinVar:

NM_017777.4(MKS1):c.498G>T (p.Arg166=)

Gene: MKS1 (MKS transition zone complex subunit 1; minus strand). Cytogenetic location: 17q22.
Variant type: single nucleotide variant.
Coding change: c.498G>T on transcript NM_017777.4 (MANE Select); coding-DNA position 498, G replaced by T.
Protein change: p.Arg166=; no amino-acid change (arginine 166 retained).
Molecular consequence: synonymous variant. On other transcripts: intron variant (1).
Genome position (GRCh38, 1-based): chr17:58,214,758, C>A on the plus strand (G>T on the coding strand, the complement: MKS1 is on the minus strand). VCF-style: chr17-58214758-C-A. GRCh37 (hg19) VCF-style: chr17-56292119-C-A.
Other names: c.498G>T, p.Arg166= (NM_001321269.2, NM_001330397.2); c.-94-371G>T (NM_001321268.2).
Identifiers: ClinVar variation 889020 (VCV000889020.14), dbSNP rs778956664, ClinGen allele CA8669503.

ClinVar aggregate classification (germline): Conflicting classifications of pathogenicity. Review status: criteria provided, conflicting classifications (1 of 4 stars). 4 submissions from 3 submitters: Uncertain significance (2); Likely benign (2). Last evaluated 2025-12-15.

Conditions:
Meckel-Gruber syndrome. Also called: Dysencephalia splachnocystica; DYSENCEPHALIA SPLANCHNOCYSTICA; GRUBER SYNDROME. Identifiers: Orphanet 564, MedGen C0265215, MONDO:0018921.
Joubert syndrome. Also called: JOUBERT-BOLTSHAUSER SYNDROME; Familial aplasia of the vermis. Identifiers: Orphanet 475, MedGen C5979921, MONDO:0018772.
MKS1-related disorder. Also called: MKS1-related condition; MKS1-related disorders. Identifiers: MedGen CN239382.
Meckel syndrome, type 1 (MKS1). Also called: MECKEL-GRUBER SYNDROME, TYPE 1. Identifiers: Orphanet 564, MedGen C3714506, MONDO:0009571, OMIM 249000.
Bardet-Biedl syndrome 13 (BBS13). Identifiers: Orphanet 110, MedGen C2673873, MONDO:0014441, OMIM 615990.

Allele frequency attached by ClinVar (database versions not stated): ExAC 0.00004; gnomAD exomes 0.00005 and 0.00006.
gnomAD v4.1: 78 of 1,606,500 alleles (0.0049%); highest among the groups gnomAD compares: East Asian, 0.17%; no homozygotes.

Submissions (4):

Labcorp Genetics (formerly Invitae), Labcorp
Classification: Likely benign for Joubert syndrome; Meckel-Gruber syndrome. Last evaluated: 2025-12-15. Review status: criteria provided, single submitter. Criteria: Invitae Variant Classification Sherloc (09022015). Collection method: clinical testing. Allele origin: germline.

PreventionGenetics, part of Exact Sciences
Classification: Likely benign for MKS1-related condition. Last evaluated: 2024-12-17. Review status: criteria provided, single submitter. Criteria: ACMG Guidelines, 2015. Collection method: clinical testing. Allele origin: germline.
Comment: This variant is classified as likely benign based on ACMG/AMP sequence variant interpretation guidelines (Richards et al. 2015 PMID: 25741868, with internal and published modifications).

Illumina Laboratory Services, Illumina
Classification: Uncertain significance for Bardet-Biedl syndrome 13. Last evaluated: 2018-01-13. Review status: criteria provided, single submitter. Criteria: ICSL Variant Classification Criteria 13 December 2019. Collection method: clinical testing. Allele origin: germline.

Illumina Laboratory Services, Illumina
Classification: Uncertain significance for Meckel syndrome, type 1. Last evaluated: 2018-01-13. Review status: criteria provided, single submitter. Criteria: ICSL Variant Classification Criteria 13 December 2019. Collection method: clinical testing. Allele origin: germline.